The following is an entry in ClinVar:

ClinVar aggregate classification (germline): Conflicting classifications of pathogenicity. Review status: criteria provided, conflicting classifications (1 of 4 stars). 2 submissions from 2 submitters: Uncertain significance (1); Likely benign (1). Last evaluated 2023-03-23.

Conditions:
Hereditary cancer-predisposing syndrome. Also called: Hereditary Cancer Syndrome; Hereditary neoplastic syndrome; Neoplastic Syndromes, Hereditary; Tumor predisposition. Identifiers: Orphanet 140162, MedGen C0027672, MeSH D009386, MONDO:0015356.

Submissions (2):

University of Washington Department of Laboratory Medicine, University of Washington
Classification: Likely benign for Hereditary cancer-predisposing syndrome. Last evaluated: 2023-03-23. Review status: criteria provided, single submitter. Criteria: Dines et al. (Genet Med. 2020). Collection method: curation. Allele origin: germline.
Comment: Missense variant in a coldspot region where missense variants are very unlikely to be pathogenic (PMID:31911673).

BRCA1 coldspot (exon 11 using historical exon numbering). Reclassification based on statistical prior probability

Ambry Genetics
Classification: Uncertain significance for Hereditary cancer-predisposing syndrome. Last evaluated: 2015-10-16. Review status: criteria provided, single submitter. Criteria: Ambry Variant Classification Scheme 2023. Collection method: clinical testing. Allele origin: germline.
Comment: The p.R446I variant (also known as c.1337G>T), located in coding exon 9 of the BRCA1 gene, results from a G to T substitution at nucleotide position 1337. The arginine at codon 446 is replaced by isoleucine, an amino acid with similar properties. This variant was not reported in population based cohorts in the following databases: Database of Single Nucleotide Polymorphisms (dbSNP), NHLBI Exome Sequencing Project (ESP), and 1000 Genomes Project. In the ESP, this variant was not observed in 6503 samples (13006 alleles) with coverage at this position. To date, this alteration has been detected with an allele frequency of approximately 0.001% (greater than 150000 alleles tested) in our clinical cohort. This amino acid position is well conserved in available vertebrate species. In addition, this alteration is predicted to be deleterious by in silico analysis. Since supporting evidence is limited at this time, the clinical significance of p.R446I remains unclear.

NM_007294.4(BRCA1):c.1337G>T (p.Arg446Ile)

Gene: BRCA1 (BRCA1 DNA repair associated; minus strand). Cytogenetic location: 17q21.31.
Variant type: single nucleotide variant.
Coding change: c.1337G>T on transcript NM_007294.4 (MANE Select); coding-DNA position 1337, G replaced by T.
Protein change: p.Arg446Ile; replaces arginine 446 with isoleucine.
Molecular consequence: missense variant. On other transcripts: intron variant (137).
Genome position (GRCh38, 1-based): chr17:43,094,194, C>A on the plus strand (G>T on the coding strand, the complement: BRCA1 is on the minus strand). VCF-style: chr17-43094194-C-A. GRCh37 (hg19) VCF-style: chr17-41246211-C-A.
Other names: c.1196G>T, p.Arg399Ile (NM_001407692.1, NM_001407694.1, NM_001407695.1 and 29 more transcripts); c.1193G>T, p.Arg398Ile (NM_001407740.1, NM_001407741.1, NM_001407742.1 and 20 more transcripts); c.1124G>T, p.Arg375Ile (NM_001407853.1, NM_001407894.1, NM_001407895.1 and 9 more transcripts); c.1337G>T, p.Arg446Ile (NM_001407854.1, NM_001407858.1, NM_001407859.1 and 30 more transcripts); c.1334G>T, p.Arg445Ile (NM_001407860.1, NM_001407861.1, NM_001407587.1 and 22 more transcripts); c.1136G>T, p.Arg379Ile (NM_001407862.1); c.1214G>T, p.Arg405Ile (NM_001407863.1, NM_001407919.1, NM_001407937.1 and 19 more transcripts); c.1133G>T, p.Arg378Ile (NM_001407874.1, NM_001407875.1); and 40 more; short protein forms R318I, R334I, R376I, R379I, R405I, R420I, R445I, R150I.
Identifiers: ClinVar variation 1770273 (VCV001770273.4), dbSNP rs2552215686, ClinGen allele CA10599375.
Genomic context (GRCh38, chr17:43,094,194, plus strand): 5'-CGATAGGTTTTCCCAAATATTTTGTCTTCAATATTACTCTCTACTGATTTGGAGTGAACT[C>A]TTTCACTTTTACATATTAAAGCCTCATGAGGATCACTGGCCAGTAAGTCTATTTTCTCTG-3'
Protein context (NP_009225.1, residues 436-456): PHEALICKSE[Arg446Ile]VHSKSVESNI